The following is an entry in ClinVar:

ClinVar aggregate classification (germline): Uncertain significance. Review status: criteria provided, multiple submitters, no conflicts (2 of 4 stars). 4 submissions from 4 submitters: Uncertain significance (4). Last evaluated 2025-11-30.

Conditions:
Neurofibromatosis, type 1 (NF1). Also called: VON RECKLINGHAUSEN DISEASE; NEUROFIBROMATOSIS, TYPE I, SOMATIC; Peripheral type neurofibromatosis; Neurofibromatosis, type I. Identifiers: Orphanet 636, MedGen C0027831, MONDO:0018975, OMIM 162200. Disease mechanism: loss of function.
Cardiovascular phenotype. Identifiers: MedGen CN230736.
Hereditary cancer-predisposing syndrome. Also called: Neoplastic Syndromes, Hereditary; Tumor predisposition; Hereditary neoplastic syndrome; Hereditary Cancer Syndrome. Identifiers: Orphanet 140162, MedGen C0027672, MeSH D009386, MONDO:0015356.

Allele frequency attached by ClinVar (database versions not stated): gnomAD exomes below 0.00001; TOPMed below 0.00001; ExAC 0.00001.
gnomAD v4.1: 1 of 1,613,942 alleles (0.000062%); highest among the groups gnomAD compares: Non-Finnish European, 0.000085%; no homozygotes.

Submissions (4):

Labcorp Genetics (formerly Invitae), Labcorp
Classification: Uncertain significance for Neurofibromatosis, type 1. Last evaluated: 2025-11-30. Review status: criteria provided, single submitter. Criteria: Invitae Variant Classification Sherloc (09022015). Collection method: clinical testing. Allele origin: germline.
Comment: This sequence change replaces proline, which is neutral and non-polar, with serine, which is neutral and polar, at codon 2674 of the NF1 protein (p.Pro2674Ser). This variant is present in population databases (rs772707560, gnomAD 0.0009%). This variant has not been reported in the literature in individuals affected with NF1-related conditions. ClinVar contains an entry for this variant (Variation ID: 527532). Invitae Evidence Modeling of protein sequence and biophysical properties (such as structural, functional, and spatial information, amino acid conservation, physicochemical variation, residue mobility, and thermodynamic stability) has been performed for this missense variant. However, the output from this modeling did not meet the statistical confidence thresholds required to predict the impact of this variant on NF1 protein function. In summary, the available evidence is currently insufficient to determine the role of this variant in disease. Therefore, it has been classified as a Variant of Uncertain Significance.

Genome-Nilou Lab
Classification: Uncertain significance for Neurofibromatosis, type 1. Last evaluated: 2022-03-15. Review status: criteria provided, single submitter. Criteria: ACMG Guidelines, 2015. Collection method: clinical testing. Allele origin: germline. Affected: no.

Ambry Genetics
Classification: Uncertain significance for Cardiovascular phenotype; Hereditary cancer-predisposing syndrome. Last evaluated: 2021-09-07. Review status: criteria provided, single submitter. Criteria: Ambry Variant Classification Scheme 2023. Collection method: clinical testing. Allele origin: germline.
Comment: The p.P2674S variant (also known as c.8020C>T), located in coding exon 54 of the NF1 gene, results from a C to T substitution at nucleotide position 8020. The proline at codon 2674 is replaced by serine, an amino acid with similar properties. This amino acid position is highly conserved in available vertebrate species. In addition, this alteration is predicted to be tolerated by in silico analysis. Since supporting evidence is limited at this time, the clinical significance of this alteration remains unclear.

Sema4
Classification: Uncertain significance for Hereditary cancer-predisposing syndrome. Last evaluated: 2021-04-19. Review status: criteria provided, single submitter. Criteria: Sema4 Curation Guidelines. Collection method: curation. Allele origin: germline.
Comment: The NF1 c.8020C>T (p.P2674S) variant has not been reported in the literature to our knowledge. It was observed in 1/113628 chromosomes of the Non-Finnish European subpopulation in the large and broad cohorts of the Genome Aggregation Database. The variant has been reported in ClinVar (Variation ID 527532). In silico tools suggest the impact of the variant on protein function is inconclusive, though these predictions have not been confirmed by functional studies. The evidence is insufficient to meet ACMG/AMP criteria for classifying the variant as benign or pathogenic. Thus, the clinical significance of this variant is currently uncertain.

NM_001042492.3(NF1):c.8083C>T (p.Pro2695Ser)

Gene: NF1 (neurofibromin 1; plus strand). Cytogenetic location: 17q11.2.
Variant type: single nucleotide variant.
Coding change: c.8083C>T on transcript NM_001042492.3 (MANE Select); coding-DNA position 8083, C replaced by T.
Protein change: p.Pro2695Ser; replaces proline 2695 with serine.
Molecular consequence: missense variant.
Genome position (GRCh38, 1-based): chr17:31,358,592, C>T. VCF-style: chr17-31358592-C-T. GRCh37 (hg19) VCF-style: chr17-29685610-C-T.
Other names: c.8020C>T, p.Pro2674Ser (NM_000267.4); short protein forms P2695S, P2674S.
Identifiers: ClinVar variation 527532 (VCV000527532.12), dbSNP rs772707560, ClinGen allele CA8487726.